The following is an entry in ClinVar:

NM_000587.4(C7):c.2369T>C (p.Val790Ala)

Gene: C7 (complement C7; plus strand). Cytogenetic location: 5p13.1.
Variant type: single nucleotide variant.
Coding change: c.2369T>C on transcript NM_000587.4 (MANE Select); coding-DNA position 2369, T replaced by C.
Protein change: p.Val790Ala; replaces valine 790 with alanine.
Molecular consequence: missense variant.
Genome position (GRCh38, 1-based): chr5:40,981,410, T>C. VCF-style: chr5-40981410-T-C. GRCh37 (hg19) VCF-style: chr5-40981512-T-C.
Other names: short protein forms V790A.
Identifiers: ClinVar variation 4760700 (VCV004760700.1).

ClinVar aggregate classification (germline): Uncertain significance (1 of 4 stars; one submission).

Submission:

Labcorp Genetics (formerly Invitae), Labcorp
Classification: Uncertain significance. Last evaluated: 2025-03-12. Review status: criteria provided, single submitter. Criteria: Invitae Variant Classification Sherloc (09022015). Collection method: clinical testing. Allele origin: germline.
Comment: This sequence change replaces valine, which is neutral and non-polar, with alanine, which is neutral and non-polar, at codon 790 of the C7 protein (p.Val790Ala). This variant is not present in population databases (gnomAD no frequency). This variant has not been reported in the literature in individuals affected with C7-related conditions. Invitae Evidence Modeling of protein sequence and biophysical properties (such as structural, functional, and spatial information, amino acid conservation, physicochemical variation, residue mobility, and thermodynamic stability) indicates that this missense variant is not expected to disrupt C7 protein function with a negative predictive value of 80%. In summary, the available evidence is currently insufficient to determine the role of this variant in disease. Therefore, it has been classified as a Variant of Uncertain Significance.